The following is an entry in ClinVar:

ClinVar aggregate classification (germline): Uncertain significance (1 of 4 stars; one submission).

Conditions:
Dilated cardiomyopathy 1KK (CMD1KK). Identifiers: Orphanet 154, Orphanet 75249, MedGen C3714995, MONDO:0014100, OMIM 615248.

Submission:

Labcorp Genetics (formerly Invitae), Labcorp
Classification: Uncertain significance for Dilated cardiomyopathy 1KK. Last evaluated: 2018-12-06. Review status: criteria provided, single submitter. Criteria: Invitae Variant Classification Sherloc (09022015). Collection method: clinical testing. Allele origin: germline.
Comment: This sequence change replaces asparagine with serine at codon 1023 of the MYPN protein (p.Asn1023Ser). The asparagine residue is highly conserved and there is a small physicochemical difference between asparagine and serine. This variant is not present in population databases (ExAC no frequency). This variant has not been reported in the literature in individuals with MYPN-related conditions. Algorithms developed to predict the effect of missense changes on protein structure and function are either unavailable or do not agree on the potential impact of this missense change (SIFT: "Deleterious"; PolyPhen-2: "Probably Damaging"; Align-GVGD: "Class C0"). In summary, the available evidence is currently insufficient to determine the role of this variant in disease. Therefore, it has been classified as a Variant of Uncertain Significance.

NM_032578.4(MYPN):c.3068A>G (p.Asn1023Ser)

Genes: MYPN (myopalladin; plus strand), LOC132089829 (Neanderthal introgressed variant-containing enhancer experimental_16132; plus strand). Cytogenetic location: 10q21.3.
Variant type: single nucleotide variant.
Coding change: c.3068A>G on transcript NM_032578.4 (MANE Select); coding-DNA position 3068, A replaced by G.
Protein change: p.Asn1023Ser; replaces asparagine 1023 with serine.
Molecular consequence: missense variant. On other transcripts: non-coding transcript variant (2).
Genome position (GRCh38, 1-based): chr10:68,194,505, A>G. VCF-style: chr10-68194505-A-G. GRCh37 (hg19) VCF-style: chr10-69954262-A-G.
Other names: c.3068A>G, p.Asn1023Ser (NM_001256267.2); c.2186A>G, p.Asn729Ser (NM_001256268.2); short protein forms N1023S, N729S.
Identifiers: ClinVar variation 664986 (VCV000664986.9), dbSNP rs905631355, ClinGen allele CA208222069.
Genomic context (GRCh38, chr10:68,194,505, plus strand): 5'-CTCTGCACATTGAATCCACTACCAGTGATGACGATGGCAACTACACCATCATGGCAGCCA[A>G]CCCCCAGGTGGAGACGCAGGGTTCTGCGCTGTGCTGCACTCTGAGGAAGGAGCGGTTGAT-3'
Protein context (NP_115967.2, residues 1013-1033): DDGNYTIMAA[Asn1023Ser]PQGRISCSGH